The following is an entry in ClinVar:

NM_000051.4(ATM):c.138_141del (p.His46fs)

Gene: ATM (ATM serine/threonine kinase; plus strand). Cytogenetic location: 11q22.3.
Variant type: Deletion.
Coding change: c.138_141del on transcript NM_000051.4 (MANE Select); coding-DNA positions 138 to 141, 4 bases deleted (TTCA; older notation c.138_141delTTCA).
Protein change: p.His46fs; shifts the reading frame from histidine 46.
Molecular consequence: frameshift variant.
Genome position (GRCh38, 1-based): chr11:108,227,841-108,227,844, TTCA deleted; deleting any 4 consecutive bases within chr11:108,227,839-108,227,844 gives the same sequence; the c. name uses the placement nearest the transcript's 3' end. VCF-style (leftmost placement, unchanged base first): chr11-108227838-GCATT-G. GRCh37 (hg19) VCF-style: chr11-108098565-GCATT-G.
Other names: c.138_141del, p.His46fs (NM_001351834.2, NM_001351835.2, NM_001351836.2); c.138_141delTTCA (NM_000051.3); short protein forms H46fs.
Identifiers: ClinVar variation 186975 (VCV000186975.21), dbSNP rs786203370, ClinGen allele CA196383.

ClinVar aggregate classification (germline): Pathogenic. Review status: criteria provided, multiple submitters, no conflicts (2 of 4 stars). 10 submissions from 10 submitters: Pathogenic (8). 2 of the submissions do not count toward it. Last evaluated 2026-01-14.

Conditions:
ATM-related disorder. Also called: ATM-related disorders; ATM-related condition.
ATM-related cancer predisposition. Also called: ATM-related cancer susceptibility. Identifiers: MedGen CN377759, MONDO:0700270.
Hereditary cancer-predisposing syndrome. Also called: Hereditary Cancer Syndrome; Neoplastic Syndromes, Hereditary; Tumor predisposition; Hereditary neoplastic syndrome. Identifiers: Orphanet 140162, MedGen C0027672, MeSH D009386, MONDO:0015356.
Familial cancer of breast. Also called: BREAST CANCER, FAMILIAL; hereditary breast carcinoma; Hereditary breast cancer. Identifiers: Orphanet 227535, MedGen C0346153, MONDO:0016419, OMIM 114480. Disease mechanism: loss of function.
Ataxia-telangiectasia syndrome (AT). Also called: ATAXIA-TELANGIECTASIA, COMPLEMENTATION GROUP A; ATAXIA-TELANGIECTASIA, FRESNO VARIANT; Ataxia-telangiectasia; LOUIS-BAR SYNDROME; Ataxia telangiectasia (A-T); Ataxia-telangiectasia, complementation group D. Identifiers: Orphanet 100, MedGen C0004135, MONDO:0008840, OMIM 208900.

Submissions (10):

Labcorp Genetics (formerly Invitae), Labcorp
Classification: Pathogenic for Ataxia-telangiectasia syndrome. Last evaluated: 2026-01-14. Review status: criteria provided, single submitter. Criteria: Invitae Variant Classification Sherloc (09022015). Collection method: clinical testing. Allele origin: germline.
Comment: This sequence change creates a premature translational stop signal (p.His46Glnfs*9) in the ATM gene. It is expected to result in an absent or disrupted protein product. Loss-of-function variants in ATM are known to be pathogenic (PMID: 23807571, 25614872). This variant is not present in population databases (gnomAD no frequency). This premature translational stop signal has been observed in individual(s) with ataxia-telangiectasia (PMID: 9463314, 22071889). This variant is also known as c.138_141del4 and 136del4nt. ClinVar contains an entry for this variant (Variation ID: 186975). For these reasons, this variant has been classified as Pathogenic.

Ambry Genetics
Classification: Pathogenic for Hereditary cancer-predisposing syndrome. Last evaluated: 2025-08-28. Review status: criteria provided, single submitter. Criteria: Ambry Variant Classification Scheme 2023. Collection method: clinical testing. Allele origin: germline.
Comment: The c.138_141delTTCA pathogenic mutation, located in coding exon 2 of the ATM gene, results from a deletion of 4 nucleotides at nucleotide positions 138 to 141, causing a translational frameshift with a predicted alternate stop codon (p.H46Qfs*9). This variant is considered to be rare based on population cohorts in the Genome Aggregation Database (gnomAD). This alteration is expected to result in loss of function by premature protein truncation or nonsense-mediated mRNA decay. As such, this alteration is interpreted as a disease-causing mutation.

Quest Diagnostics Nichols Institute San Juan Capistrano
Classification: Pathogenic. Last evaluated: 2025-04-29. Review status: criteria provided, single submitter. Criteria: Quest Diagnostics criteria. Collection method: clinical testing. Allele origin: unknown.
Comment: The ATM c.138_141del (p.His46Glnfs*9) variant alters the translational reading frame of the ATM mRNA and causes the premature termination of ATM protein synthesis. This variant has been reported in the published literature in individuals with Ataxia-telangiectasia (PMID: 9463314 (1998), 15390180 (2005), 22071889 (2012). Functional studies with patient-derived cells demonstrated that this variant had an inconclusive effect on protein function (PMID: 11382771 (2001), 22071889 (2012). This variant has not been reported in large, multi-ethnic general populations (Genome Aggregation Database). Based on the available information, this variant is classified as pathogenic.

Molecular Pathology, Peter Maccallum Cancer Centre
Classification: Pathogenic for Ataxia-telangiectasia syndrome. Last evaluated: 2025-03-19. Review status: criteria provided, single submitter. Criteria: ACMG Guidelines, 2015. Collection method: clinical testing. Allele origin: germline. Inheritance: Autosomal recessive inheritance.

Color Diagnostics, LLC DBA Color Health
Classification: Pathogenic for Hereditary cancer-predisposing syndrome. Last evaluated: 2024-11-05. Review status: criteria provided, single submitter. Criteria: ACMG Guidelines, 2015. Collection method: clinical testing. Allele origin: germline.
Comment: This variant deletes 4 nucleotides in exon 3/63 of the ATM gene, creating a frameshift and premature translation stop signal. This variant is expected to result in an absent or non-functional protein product. This variant has been reported in individuals affected with ataxia-telangiectasia (PMID: 22071889, 9463314). This variant has not been identified in the general population by the Genome Aggregation Database (gnomAD). Loss of ATM function is a known mechanism of disease. Based on the available evidence, this variant is classified as Pathogenic.

Myriad Genetics, Inc.
Classification: Pathogenic for Familial cancer of breast. Last evaluated: 2024-01-05. Review status: criteria provided, single submitter. Criteria: Myriad Autosomal Dominant, Autosomal Recessive and X-Linked Classification Criteria (2023). Collection method: clinical testing. Allele origin: unknown.
Comment: This variant is considered pathogenic. This variant creates a frameshift predicted to result in premature protein truncation.

Institute for Genomic Medicine (IGM) Clinical Laboratory, Nationwide Children's Hospital
Classification: Pathogenic for ATM-related cancer predisposition. Last evaluated: 2023-01-25. Review status: criteria provided, single submitter. Criteria: ACMG Guidelines, 2015. Collection method: clinical testing. Allele origin: germline.
Comment: This variant is predicted to result in loss of function through nonsense-mediated decay of the encoded transcript or premature truncation of the encoded protein in a gene in which loss of function is a known mechanism of disease (ACMG/AMP: PVS1; PMIDs:10677309, 33509806). This variant has been reported at an elevated frequency in affected individuals/in multiple affected individuals in the literature (ACMG/AMP: PS4_Moderate; PMIDs:9463314, 22071889). This variant is absent from or present at an exceedingly low frequency in gnomAD, a large-scale control population database (ACMG/AMP: PM2).

GeneDx
Classification: Pathogenic. Last evaluated: 2018-10-26. Review status: criteria provided, single submitter. Criteria: GeneDx Variant Classification (06012015). Collection method: clinical testing. Allele origin: germline. Affected: yes.
Comment: This deletion of four nucleotides in ATM is denoted c.138_141delTTCA at the cDNA level and p.His46GlnfsX9 (H46QfsX9) at the protein level. The normal sequence, with the bases that are deleted in brackets, is GGCA[delTTCA]GATT. The deletion causes a frameshift which changes a Histidine to a Glutamine at codon 46, and creates a premature stop codon at position 9 of the new reading frame. This variant is predicted to cause loss of normal protein function through either protein truncation or nonsense-mediated mRNA decay. ATM c.138_141delTTCA, also reported as ATM 136del4 using alternate nomenclature, has been reported with a second ATM variant in two siblings and at least one other individual with Ataxia-telangiectasia (Stankovic 1998, Jacquemin 2012). Functional studies on cell lines derived from these individuals found decreased ATM protein levels, impaired phosphorylation after exposure to ionizing radiation, and absent kinase activity (Stewart 2001, Jacquemin 2012). Based on current evidence, we consider this variant to be pathogenic.

PreventionGenetics, part of Exact Sciences
Classification: Pathogenic for ATM-related condition. Last evaluated: 2023-12-16. Review status: no assertion criteria provided. Collection method: clinical testing. Allele origin: germline. Not counted in ClinVar's aggregate classification.
Comment: The ATM c.138_141delTTCA variant is predicted to result in a frameshift and premature protein termination (p.His46Glnfs*9). This variant along with a second variant in this gene was reported in two individuals with ataxia telangiectasia, who also have personal history of T-cell lymphoma (reported as 136del4nt in Table 1 and Table 4, Stankovic et al 1998. PubMed ID: 9463314; Jacquemin et al. 2011. PubMed ID: 22071889). This variant has not been reported in a large population database, indicating this variant is rare. Frameshift variants in ATM are expected to be pathogenic. In ClinVar, this variant is interpreted as pathogenic. This variant is interpreted as pathogenic.

Natera, Inc.
Classification: Pathogenic for Ataxia-telangiectasia. Last evaluated: 2020-09-16. Review status: no assertion criteria provided. Collection method: clinical testing. Allele origin: germline. Not counted in ClinVar's aggregate classification.

Literature cited by the submitters: PubMed 23807571 (cited by Labcorp Genetics (formerly Invitae), Labcorp); PubMed 25614872 (cited by Labcorp Genetics (formerly Invitae), Labcorp); PubMed 9463314 (cited by 3 submitters); PubMed 22071889 (cited by 3 submitters); PubMed 10677309 (cited by Institute for Genomic Medicine (IGM) Clinical Laboratory, Nationwide Children's Hospital); PubMed 33509806 (cited by Institute for Genomic Medicine (IGM) Clinical Laboratory, Nationwide Children's Hospital).